The following is an entry in ClinVar:

ClinVar aggregate classification (germline): Pathogenic (1 of 4 stars; one submission).

Conditions:
Epilepsy, childhood absence, susceptibility to, 1. Also called: Epilepsy, childhood absence 1. Identifiers: Orphanet 64280, MedGen C1838604, MONDO:0020759, OMIM 600131.
Epilepsy, childhood absence, susceptibility to, 5. Identifiers: Orphanet 64280, MedGen C2677087, MONDO:0012843, OMIM 612269.

Submission:

Labcorp Genetics (formerly Invitae), Labcorp
Classification: Pathogenic for Epilepsy, childhood absence, susceptibility to, 5; Epilepsy, childhood absence, susceptibility to, 1. Last evaluated: 2023-12-30. Review status: criteria provided, single submitter. Criteria: Invitae Variant Classification Sherloc (09022015). Collection method: clinical testing. Allele origin: germline.
Comment: This sequence change creates a premature translational stop signal (p.Tyr309*) in the GABRB3 gene. It is expected to result in an absent or disrupted protein product. Loss-of-function variants in GABRB3 are known to be pathogenic (PMID: 26950270, 28053010). This variant is not present in population databases (gnomAD no frequency). This variant has not been reported in the literature in individuals affected with GABRB3-related conditions. For these reasons, this variant has been classified as Pathogenic.

Literature cited by the submitters: PubMed 26950270; PubMed 28053010.

NM_000814.6(GABRB3):c.927C>A (p.Tyr309Ter)

Gene: GABRB3 (gamma-aminobutyric acid type A receptor subunit beta3; minus strand). Cytogenetic location: 15q12.
Variant type: single nucleotide variant.
Coding change: c.927C>A on transcript NM_000814.6 (MANE Select); coding-DNA position 927, C replaced by A.
Protein change: p.Tyr309Ter; replaces tyrosine 309 with a stop codon.
Molecular consequence: nonsense.
Genome position (GRCh38, 1-based): chr15:26,561,085, G>T on the plus strand (C>A on the coding strand, the complement: GABRB3 is on the minus strand). VCF-style: chr15-26561085-G-T. GRCh37 (hg19) VCF-style: chr15-26806232-G-T.
Other names: c.672C>A, p.Tyr224Ter (NM_001191320.2, NM_001278631.2); c.714C>A, p.Tyr238Ter (NM_001191321.3); c.927C>A, p.Tyr309Ter (NM_021912.5); short protein forms Y224*, Y238*, Y309*.
Identifiers: ClinVar variation 2921785 (VCV002921785.3), dbSNP rs1889964880, ClinGen allele CA391462043.
Genomic context (GRCh38, chr15:26,561,085, plus strand): 5'-GTAGTTGACAAAGGCATACTCCAGAAGGGCCAGGAACACAAAGACGAAGCAGCCCATAAG[G>T]TACATGTCAATGGCTTTGACATAGGGGATTTTGGGCAAGGTCTCCCGAAGGTGGGTGTTG-3'